The following is an entry in ClinVar:

ClinVar aggregate classification (germline): Likely pathogenic (1 of 4 stars; one submission).

Conditions:
Meckel syndrome, type 3 (MKS3). Also called: MECKEL-GRUBER SYNDROME, TYPE 3. Identifiers: Orphanet 564, MedGen C1846357, MONDO:0011821, OMIM 607361.

Submission:

Department of Medical Genetics, Sanjay Gandhi Post Graduate Institute of Medical Sciences
Classification: Likely pathogenic for Meckel syndrome, type 3. Last evaluated: 2024-04-03. Review status: criteria provided, single submitter. Criteria: ACMG Guidelines, 2015. Collection method: research. Allele origin: biparental. Inheritance: Autosomal recessive inheritance. Affected: yes. Observed: 1 homozygote.
Comment: This novel homozygous variant c.2379del (p.Val794fs*12) predicted to cause frame shift and premature truncation of protein 12 amino acids downstream to codon 794. There is no functional study reported on this variant due to lack of complete evidence this variant classified as likely pathogenic ACMG criteria for this variant (PVS1, PM2)

Literature cited by the submitters: PubMed 19466712.

NM_153704.6(TMEM67):c.2379del (p.Val794fs)

Gene: TMEM67 (transmembrane protein 67; plus strand). Cytogenetic location: 8q22.1.
Variant type: Deletion.
Coding change: c.2379del on transcript NM_153704.6 (MANE Select); coding-DNA position 2379, one base deleted (A; older notation c.2379delA).
Protein change: p.Val794fs; shifts the reading frame from valine 794.
Molecular consequence: frameshift variant. On other transcripts: non-coding transcript variant (1).
Genome position (GRCh38, 1-based): chr8:93,804,818, A deleted. VCF-style (leftmost placement, unchanged base first): chr8-93804817-CA-C. GRCh37 (hg19) VCF-style: chr8-94817045-CA-C.
Other names: c.2136del, p.Val713fs (NM_001142301.1); short protein forms V713fs, V794fs.
Identifiers: ClinVar variation 4072411 (VCV004072411.1).